The following is an entry in ClinVar:

ClinVar aggregate classification (germline): Conflicting classifications of pathogenicity. Review status: criteria provided, conflicting classifications (1 of 4 stars). 6 submissions from 6 submitters: Uncertain significance (4); Likely benign (2). Last evaluated 2026-08-04.

Conditions:
Tuberous sclerosis syndrome (TSC). Also called: Tuberous Sclerosis Complex; Tuberous sclerosis. Identifiers: Orphanet 805, MedGen C0041341, MONDO:0001734.
Tuberous sclerosis 2 (TSC2). Identifiers: Orphanet 805, MedGen C1860707, MONDO:0013199, OMIM 613254.
Hereditary cancer-predisposing syndrome. Also called: Neoplastic Syndromes, Hereditary; Hereditary Cancer Syndrome; Hereditary neoplastic syndrome; Tumor predisposition. Identifiers: Orphanet 140162, MedGen C0027672, MeSH D009386, MONDO:0015356.

Allele frequency attached by ClinVar (database versions not stated): gnomAD exomes below 0.00001; TOPMed below 0.00001; ExAC 0.00001; gnomAD 0.00001; ESP Exome Variant Server 0.00008.
gnomAD v4.1: 5 of 1,613,022 alleles (0.00031%); highest among the groups gnomAD compares: Non-Finnish European, 0.00042%; no homozygotes.

Submissions (6):

Ambry Genetics
Classification: Uncertain significance for Hereditary cancer-predisposing syndrome. Last evaluated: 2026-08-04. Review status: criteria provided, single submitter. Criteria: Ambry Variant Classification Scheme 2023. Collection method: clinical testing. Allele origin: germline.

Labcorp Genetics (formerly Invitae), Labcorp
Classification: Likely benign for Tuberous sclerosis 2. Last evaluated: 2025-12-22. Review status: criteria provided, single submitter. Criteria: Invitae Variant Classification Sherloc (09022015). Collection method: clinical testing. Allele origin: germline.

Color Diagnostics, LLC DBA Color Health
Classification: Uncertain significance for Tuberous sclerosis syndrome. Last evaluated: 2023-12-17. Review status: criteria provided, single submitter. Criteria: ACMG Guidelines, 2015. Collection method: clinical testing. Allele origin: germline.
Comment: This missense variant replaces proline with leucine at codon 961 of the TSC2 protein. Computational prediction suggests that this variant may not impact protein structure and function. To our knowledge, functional studies have not been reported for this variant. This variant has not been reported in individuals affected with tuberous sclerosis complex in the literature. This variant has not been identified in the general population by the Genome Aggregation Database (gnomAD). The available evidence is insufficient to determine the role of this variant in disease conclusively. Therefore, this variant is classified as a Variant of Uncertain Significance.

GeneDx
Classification: Uncertain significance. Last evaluated: 2022-08-03. Review status: criteria provided, single submitter. Criteria: GeneDx Variant Classification Process June 2021. Collection method: clinical testing. Allele origin: germline. Affected: yes.
Comment: Not observed at significant frequency in large population cohorts (gnomAD); In silico analysis supports that this missense variant does not alter protein structure/function; Has not been previously published as pathogenic or benign to our knowledge

Genome-Nilou Lab
Classification: Likely benign for Tuberous sclerosis 2. Last evaluated: 2021-11-07. Review status: criteria provided, single submitter. Criteria: ACMG Guidelines, 2015. Collection method: clinical testing. Allele origin: germline. Affected: no.

Baylor Genetics
Classification: Uncertain significance for Tuberous sclerosis 2. Last evaluated: 2020-06-05. Review status: criteria provided, single submitter. Criteria: ACMG Guidelines, 2015. Collection method: clinical testing. Allele origin: maternal. Affected: yes. Study: CSER-TexasKidsCanSeq.
Comment: This variant was determined to be of uncertain significance according to ACMG Guidelines, 2015 [PMID:25741868].

NM_000548.5(TSC2):c.2882C>T (p.Pro961Leu)

Gene: TSC2 (TSC complex subunit 2; plus strand). Cytogenetic location: 16p13.3.
Variant type: single nucleotide variant.
Coding change: c.2882C>T on transcript NM_000548.5 (MANE Select); coding-DNA position 2882, C replaced by T.
Protein change: p.Pro961Leu; replaces proline 961 with leucine.
Molecular consequence: missense variant. On other transcripts: intron variant (9).
Genome position (GRCh38, 1-based): chr16:2,077,642, C>T. VCF-style: chr16-2077642-C-T. GRCh37 (hg19) VCF-style: chr16-2127643-C-T.
Other names: c.2882C>T, p.Pro961Leu (NM_001114382.3); c.2837+1057C>T (NM_021055.3, NM_001370405.1, NM_001363528.2 and 2 more transcripts); c.2726+1057C>T (NM_001318827.2); c.2237+1057C>T (NM_001318831.2); c.2690+1057C>T (NM_001318829.2); c.2870+1057C>T (NM_001318832.2); short protein forms P961L.
Identifiers: ClinVar variation 645028 (VCV000645028.22), dbSNP rs370415754, ClinGen allele CA042547.